The following is an entry in ClinVar:

NM_000492.4(CFTR):c.3140-92T>C

Genes: CFTR (CF transmembrane conductance regulator; plus strand), CFTR-AS2 (CFTR antisense RNA 2; minus strand), LOC111674472 (DNase I hypersensitive sites in introns 16 and 17a of CFTR; plus strand). Cytogenetic location: 7q31.2.
Variant type: single nucleotide variant.
Coding change: c.3140-92T>C on transcript NM_000492.4 (MANE Select); 92 bases into the intron before coding-DNA position 3140, T replaced by C.
Molecular consequence: intron variant.
Genome position (GRCh38, 1-based): chr7:117,611,489, T>C. VCF-style: chr7-117611489-T-C. GRCh37 (hg19) VCF-style: chr7-117251543-T-C.
Identifiers: ClinVar variation 695177 (VCV000695177.16), dbSNP rs4148717, ClinGen allele CA164966171.
Genomic context (GRCh38, chr7:117,611,489, plus strand): 5'-CAAAGAATGGCACCAGTGTGAAAAAAAGCTTTTTAACCAATGACATTTGTGATATGATTA[T>C]TCTAATTTAGTCTTTTTCAGGTACAAGATATTATGAAATTACATTTTGTGTTTATGTTAT-3'

ClinVar aggregate classification (germline): Benign. Review status: criteria provided, multiple submitters, no conflicts (2 of 4 stars). 5 submissions from 5 submitters: Benign (4). 1 of the submissions does not count toward it. Last evaluated 2026-01-05.

Conditions:
Cystic fibrosis (CF). Also called: MUCOVISCIDOSIS. Identifiers: Orphanet 586, MedGen C0010674, MONDO:0009061, OMIM 219700. Disease mechanism: loss of function.

Allele frequency attached by ClinVar (database versions not stated): TOPMed 0.12104; gnomAD exomes 0.04776; 1000 Genomes Project 0.12101; gnomAD 0.12640 and 0.11977; 1000 Genomes Project 30x 0.12758.
gnomAD v4.1: 49,964 of 813,724 alleles (6.1%); highest among the groups gnomAD compares: African/African-American, 32%; 3,908 homozygotes.

Submissions (5):

Labcorp Genetics (formerly Invitae), Labcorp
Classification: Benign for Cystic fibrosis. Last evaluated: 2026-01-05. Review status: criteria provided, single submitter. Criteria: Invitae Variant Classification Sherloc (09022015). Collection method: clinical testing. Allele origin: germline.

GeneDx
Classification: Benign. Last evaluated: 2018-06-21. Review status: criteria provided, single submitter. Criteria: GeneDx Variant Classification Process June 2021. Collection method: clinical testing. Allele origin: germline. Affected: yes.

CFTR-France
Classification: Benign for cystic fibrosis. Last evaluated: 2018-01-29. Review status: criteria provided, single submitter. Criteria: Claustres M et al. (Hum Mutat 2017). Collection method: curation. Allele origin: germline. Affected: no.
Comment: the variant does not result in CFTR-RD neither

Breakthrough Genomics
Classification: Benign. Review status: criteria provided, single submitter. Criteria: ACMG Guidelines, 2015. Collection method: not provided. Allele origin: germline. Inheritance: Autosomal recessive inheritance. Affected: yes.

Natera, Inc.
Classification: Benign for Cystic Fibrosis. Last evaluated: 2020-09-16. Review status: no assertion criteria provided. Collection method: clinical testing. Allele origin: germline. Not counted in ClinVar's aggregate classification.